The following is an entry in ClinVar:

NM_004329.3(BMPR1A):c.1321G>T (p.Ala441Ser)

Gene: BMPR1A (bone morphogenetic protein receptor type 1A; plus strand). Cytogenetic location: 10q23.2.
Variant type: single nucleotide variant.
Coding change: c.1321G>T on transcript NM_004329.3 (MANE Select); coding-DNA position 1321, G replaced by T.
Protein change: p.Ala441Ser; replaces alanine 441 with serine.
Molecular consequence: missense variant.
Genome position (GRCh38, 1-based): chr10:86,921,674, G>T. VCF-style: chr10-86921674-G-T. GRCh37 (hg19) VCF-style: chr10-88681431-G-T.
Other names: short protein forms A441S.
Identifiers: ClinVar variation 1332393 (VCV001332393.2), dbSNP rs762731644, ClinGen allele CA5585682.

ClinVar aggregate classification (germline): Uncertain significance (1 of 4 stars; one submission).

Conditions:
Hereditary cancer-predisposing syndrome. Also called: Tumor predisposition; Hereditary Cancer Syndrome; Neoplastic Syndromes, Hereditary; Hereditary neoplastic syndrome. Identifiers: Orphanet 140162, MedGen C0027672, MeSH D009386, MONDO:0015356.

Allele frequency attached by ClinVar (database versions not stated): gnomAD exomes below 0.00001; ExAC 0.00001.
gnomAD v4.1: 1 of 1,614,212 alleles (0.000062%); highest among the groups gnomAD compares: Non-Finnish European, 0.000085%; no homozygotes.

Submission:

Color Diagnostics, LLC DBA Color Health
Classification: Uncertain significance for Hereditary cancer-predisposing syndrome. Last evaluated: 2021-06-01. Review status: criteria provided, single submitter. Criteria: ACMG Guidelines, 2015. Collection method: clinical testing. Allele origin: germline.
Comment: This missense variant replaces alanine with serine at codon 441 of the BMPR1A protein. Computational prediction suggests that this variant may not impact protein structure and function (internally defined REVEL score threshold <= 0.5, PMID: 27666373). To our knowledge, functional studies have not been reported for this variant. This variant has not been reported in individuals affected with hereditary cancer in the literature. This variant has been identified in 1/251490 chromosomes in the general population by the Genome Aggregation Database (gnomAD). The available evidence is insufficient to determine the role of this variant in disease conclusively. Therefore, this variant is classified as a Variant of Uncertain Significance.